The following is an entry in ClinVar:

ClinVar aggregate classification (germline): Uncertain significance. Review status: criteria provided, multiple submitters, no conflicts (2 of 4 stars). 3 submissions from 3 submitters: Uncertain significance (3). Last evaluated 2025-12-15.

Conditions:
Inborn genetic diseases. Identifiers: MedGen C0950123, MeSH D030342.

Allele frequency attached by ClinVar (database versions not stated): gnomAD exomes below 0.00001; TOPMed below 0.00001; gnomAD 0.00001.
gnomAD v4.1: 3 of 1,614,054 alleles (0.00019%); highest among the groups gnomAD compares: Admixed American, 0.0017%; no homozygotes.

Submissions (3):

Ambry Genetics
Classification: Uncertain significance for Inborn genetic diseases. Last evaluated: 2025-12-15. Review status: criteria provided, single submitter. Criteria: Ambry Variant Classification Scheme 2023. Collection method: clinical testing. Allele origin: germline.

GeneDx
Classification: Uncertain significance. Last evaluated: 2022-06-21. Review status: criteria provided, single submitter. Criteria: GeneDx Variant Classification Process June 2021. Collection method: clinical testing. Allele origin: germline. Affected: yes.
Comment: Not observed at significant frequency in large population cohorts (gnomAD); In silico analysis supports that this missense variant does not alter protein structure/function; Has not been previously published as pathogenic or benign to our knowledge; Variants in candidate genes are classified as variants of uncertain significance in accordance with ACMG guidelines (Richards et al., 2015)

Labcorp Genetics (formerly Invitae), Labcorp
Classification: Uncertain significance. Last evaluated: 2022-05-14. Review status: criteria provided, single submitter. Criteria: Invitae Variant Classification Sherloc (09022015). Collection method: clinical testing. Allele origin: germline.
Comment: In summary, the available evidence is currently insufficient to determine the role of this variant in disease. Therefore, it has been classified as a Variant of Uncertain Significance. This sequence change replaces serine, which is neutral and polar, with glycine, which is neutral and non-polar, at codon 345 of the EPRS protein (p.Ser345Gly). This variant is not present in population databases (gnomAD no frequency). This variant has not been reported in the literature in individuals affected with EPRS-related conditions. Algorithms developed to predict the effect of missense changes on protein structure and function (SIFT, PolyPhen-2, Align-GVGD) all suggest that this variant is likely to be tolerated.

NM_004446.3(EPRS1):c.1033A>G (p.Ser345Gly)

Gene: EPRS1 (glutamyl-prolyl-tRNA synthetase 1; minus strand). Cytogenetic location: 1q41.
Variant type: single nucleotide variant.
Coding change: c.1033A>G on transcript NM_004446.3 (MANE Select); coding-DNA position 1033, A replaced by G.
Protein change: p.Ser345Gly; replaces serine 345 with glycine.
Molecular consequence: missense variant.
Genome position (GRCh38, 1-based): chr1:220,022,429, T>C on the plus strand (A>G on the coding strand, the complement: EPRS1 is on the minus strand). VCF-style: chr1-220022429-T-C. GRCh37 (hg19) VCF-style: chr1-220195771-T-C.
Other names: c.1033A>G (NM_004446.2); short protein forms S345G.
Identifiers: ClinVar variation 2191064 (VCV002191064.4), dbSNP rs146480904, ClinGen allele CA344628956.
Genomic context (GRCh38, chr1:220,022,429, plus strand): 5'-GATGTGGTTGAATTTTGCAGCGATAAAGGGTTGGATCTCTCATGCATCCATTGTTACTAC[T>C]CATGTCAATTTTTGCTCGCAAACAACAGGACTGACCAAACTGGCTCCCTTTTTTCATTTC-3'
Protein context (NP_004437.2, residues 335-355): SCCLRAKIDM[Ser345Gly]SNNGCMRDPT